The following is an entry in ClinVar:

ClinVar aggregate classification (germline): Uncertain significance. Review status: criteria provided, multiple submitters, no conflicts (2 of 4 stars). 2 submissions from 2 submitters: Uncertain significance (2). Last evaluated 2026-01-05.

Conditions:
Hereditary cancer-predisposing syndrome. Also called: Hereditary neoplastic syndrome; Hereditary Cancer Syndrome; Neoplastic Syndromes, Hereditary; Tumor predisposition. Identifiers: Orphanet 140162, MedGen C0027672, MeSH D009386, MONDO:0015356.

Allele frequency attached by ClinVar (database versions not stated): gnomAD exomes below 0.00001 and 0.00002; ExAC 0.00001; gnomAD 0.00002 and 0.00003; TOPMed 0.00002.
gnomAD v4.1: 32 of 1,614,106 alleles (0.002%); highest among the groups gnomAD compares: Non-Finnish European, 0.0025%; no homozygotes.

Submissions (2):

Labcorp Genetics (formerly Invitae), Labcorp
Classification: Uncertain significance for Hereditary cancer-predisposing syndrome. Last evaluated: 2026-01-05. Review status: criteria provided, single submitter. Criteria: Invitae Variant Classification Sherloc (09022015). Collection method: clinical testing. Allele origin: germline.
Comment: This sequence change replaces asparagine, which is neutral and polar, with serine, which is neutral and polar, at codon 38 of the RAD50 protein (p.Asn38Ser). This variant is present in population databases (rs750480943, gnomAD 0.003%). This missense change has been observed in individual(s) with breast cancer (PMID: 24894818, 30613976). ClinVar contains an entry for this variant (Variation ID: 230314). Invitae Evidence Modeling of protein sequence and biophysical properties (such as structural, functional, and spatial information, amino acid conservation, physicochemical variation, residue mobility, and thermodynamic stability) indicates that this missense variant is expected to disrupt RAD50 protein function with a positive predictive value of 80%. RNA analysis performed to evaluate the impact of this missense change on mRNA splicing indicates it does not significantly alter splicing (internal data). In summary, the available evidence is currently insufficient to determine the role of this variant in disease. Therefore, it has been classified as a Variant of Uncertain Significance.

Ambry Genetics
Classification: Uncertain significance for Hereditary cancer-predisposing syndrome. Last evaluated: 2024-10-18. Review status: criteria provided, single submitter. Criteria: Ambry Variant Classification Scheme 2023. Collection method: clinical testing. Allele origin: germline.
Comment: The p.N38S variant (also known as c.113A>G), located in coding exon 1 of the RAD50 gene, results from an A to G substitution at nucleotide position 113. The asparagine at codon 38 is replaced by serine, an amino acid with highly similar properties. This variant was reported in 2/1313 early-onset breast cancer cases and 0/1123 population controls (Damiola F et al. Breast Cancer Res, 2014 Jun;16:R58). This alteration was reported in a study of 1297 cases of early-onset breast cancer and 1121 controls (Young EL et al. J Med Genet, 2016 Jun;53:366-76). This amino acid position is highly conserved in available vertebrate species. In addition, this alteration is predicted to be tolerated by in silico analysis. Based on the available evidence, the clinical significance of this variant remains unclear.

Literature cited by the submitters: PubMed 24894818 (cited by Labcorp Genetics (formerly Invitae), Labcorp and Ambry Genetics); PubMed 30613976 (cited by Labcorp Genetics (formerly Invitae), Labcorp and Ambry Genetics); PubMed 26787654 (cited by Ambry Genetics).

NM_005732.4(RAD50):c.113A>G (p.Asn38Ser)

Gene: RAD50 (RAD50 double strand break repair protein; plus strand). Cytogenetic location: 5q31.1.
Variant type: single nucleotide variant.
Coding change: c.113A>G on transcript NM_005732.4 (MANE Select); coding-DNA position 113, A replaced by G.
Protein change: p.Asn38Ser; replaces asparagine 38 with serine.
Molecular consequence: missense variant.
Genome position (GRCh38, 1-based): chr5:132,557,437, A>G. VCF-style: chr5-132557437-A-G. GRCh37 (hg19) VCF-style: chr5-131893129-A-G.
Other names: short protein forms N38S.
Identifiers: ClinVar variation 230314 (VCV000230314.15), dbSNP rs750480943, ClinGen allele CA3404888.
Genomic context (GRCh38, chr5:132,557,437, plus strand): 5'-AGGACAAAGATAAGCAAATTATCACTTTCTTCAGCCCCCTTACAATTTTGGTTGGACCCA[A>G]TGGGGCGGGAAAGACGGTAAGTCTTCAGTAGCCGCCTTCAGTTTACAGGTCGCTACATCT-3'
Protein context (NP_005723.2, residues 28-48): FSPLTILVGP[Asn38Ser]GAGKTTIIEC